The following is an entry in ClinVar:

NM_005144.5(HR):c.*81C>T

Gene: HR (HR lysine demethylase and nuclear receptor corepressor; minus strand). Cytogenetic location: 8p21.3.
Variant type: single nucleotide variant.
Coding change: c.*81C>T on transcript NM_005144.5 (MANE Select); 81 bases downstream of the stop codon, C replaced by T.
Molecular consequence: 3 prime UTR variant.
Genome position (GRCh38, 1-based): chr8:22,115,619, G>A on the plus strand (C>T on the coding strand, the complement: HR is on the minus strand). VCF-style: chr8-22115619-G-A. GRCh37 (hg19) VCF-style: chr8-21973132-G-A.
Other names: c.*81C>T (NM_018411.4).
Identifiers: ClinVar variation 362471 (VCV000362471.6), dbSNP rs114329519, ClinGen allele CA10630665.

ClinVar aggregate classification (germline): Benign. Review status: criteria provided, multiple submitters, no conflicts (2 of 4 stars). 3 submissions from 2 submitters: Benign (3). Last evaluated 2018-01-13.

Conditions:
Atrichia with papular lesions (APL). Also called: PAPULAR ATRICHIA. Identifiers: Orphanet 86819, MedGen C1859592, MONDO:0008847, OMIM 209500.
Alopecia universalis congenita (ALUNC). Also called: ATRICHIA, GENERALIZED. Identifiers: Orphanet 701, MedGen C1859877, MONDO:0008757, OMIM 203655.

Allele frequency attached by ClinVar (database versions not stated): gnomAD exomes 0.00145; gnomAD 0.01214 and 0.01316; TOPMed 0.01317; 1000 Genomes Project 0.01478; 1000 Genomes Project 30x 0.01530.

Submissions (3):

Illumina Laboratory Services, Illumina
Classification: Benign for Alopecia universalis congenita. Last evaluated: 2018-01-13. Review status: criteria provided, single submitter. Criteria: ICSL Variant Classification Criteria 13 December 2019. Collection method: clinical testing. Allele origin: germline.
Comment: This variant was observed in the ICSL laboratory as part of a predisposition screen in an ostensibly healthy population. It had not been previously curated by ICSL or reported in the Human Gene Mutation Database (HGMD: prior to June 1st, 2018), and was therefore a candidate for classification through an automated scoring system. Utilizing variant allele frequency, disease prevalence and penetrance estimates, and inheritance mode, an automated score was calculated to assess if this variant is too frequent to cause the disease. Based on the score and internal cut-off values, a variant classified as benign is not then subjected to further curation. The score for this variant resulted in a classification of benign for this disease.

Illumina Laboratory Services, Illumina
Classification: Benign for Atrichia with papular lesions. Last evaluated: 2018-01-13. Review status: criteria provided, single submitter. Criteria: ICSL Variant Classification Criteria 13 December 2019. Collection method: clinical testing. Allele origin: germline.
Comment: the same text as in the submission from Illumina Laboratory Services, Illumina above.

Breakthrough Genomics
Classification: Benign. Review status: criteria provided, single submitter. Criteria: ACMG Guidelines, 2015. Collection method: not provided. Allele origin: germline. Inheritance: Autosomal recessive inheritance. Affected: yes.